The following is an entry in ClinVar:

NM_001429.4(EP300):c.5227G>A (p.Val1743Ile)

Gene: EP300 (EP300 lysine acetyltransferase; plus strand). Cytogenetic location: 22q13.2.
Variant type: single nucleotide variant.
Coding change: c.5227G>A on transcript NM_001429.4 (MANE Select); coding-DNA position 5227, G replaced by A.
Protein change: p.Val1743Ile; replaces valine 1743 with isoleucine.
Molecular consequence: missense variant.
Genome position (GRCh38, 1-based): chr22:41,176,938, G>A. VCF-style: chr22-41176938-G-A. GRCh37 (hg19) VCF-style: chr22-41572942-G-A.
Other names: c.5149G>A, p.Val1717Ile (NM_001362843.2); short protein forms V1717I, V1743I.
Identifiers: ClinVar variation 3363273 (VCV003363273.2).

ClinVar aggregate classification (germline): Uncertain significance (1 of 4 stars; one submission).

Submission:

GeneDx
Classification: Uncertain significance. Last evaluated: 2025-10-31. Review status: criteria provided, single submitter. Criteria: GeneDx Variant Classification Process June 2021. Collection method: clinical testing. Allele origin: germline.
Comment: Not observed at significant frequency in large population cohorts (gnomAD); In silico analysis suggests that this missense variant does not alter protein structure/function; Has not been previously published as pathogenic or benign to our knowledge.